The following is an entry in ClinVar:

ClinVar aggregate classification (germline): Pathogenic (1 of 4 stars; one submission).

Conditions:
Developmental and epileptic encephalopathy, 34 (DEE34). Also called: Early infantile epileptic encephalopathy 34; SLC12A5-Related Epilepsy of Infancy with Migrating Focal Seizures. Identifiers: Orphanet 293181, MedGen C4225257, MONDO:0014718, OMIM 616645.

Submission:

Labcorp Genetics (formerly Invitae), Labcorp
Classification: Pathogenic for Developmental and epileptic encephalopathy, 34. Last evaluated: 2017-09-01. Review status: criteria provided, single submitter. Criteria: Invitae Variant Classification Sherloc (09022015). Collection method: clinical testing. Allele origin: germline.
Comment: For these reasons, this variant has been classified as Pathogenic. Loss-of-function variants in SLC12A5 are known to be pathogenic (PMID: 26333769, 27436767). This variant has not been reported in the literature in individuals with SLC12A5-related disease. This variant is not present in population databases (ExAC no frequency). This sequence change creates a premature translational stop signal (p.Asn328Glnfs*5) in the SLC12A5 gene. It is expected to result in an absent or disrupted protein product.

Literature cited by the submitters: PubMed 26333769; PubMed 27436767.

NM_020708.5(SLC12A5):c.980dup (p.Asn328fs)

Gene: SLC12A5 (solute carrier family 12 member 5; plus strand). Cytogenetic location: 20q13.12.
Variant type: Duplication.
Coding change: c.980dup on transcript NM_020708.5 (MANE Select); coding-DNA position 980, one base duplicated (T; older notation c.980dupT).
Protein change: p.Asn328fs; shifts the reading frame from asparagine 328.
Molecular consequence: frameshift variant.
Genome position (GRCh38, 1-based): chr20:46,041,454, T duplicated. VCF-style (leftmost placement, unchanged base first): chr20-46041453-C-CT. GRCh37 (hg19) VCF-style: chr20-44670092-C-CT.
Other names: c.1049dup, p.Asn351fs (NM_001134771.2); c.980dupT (NM_020708.4); short protein forms N328fs, N351fs.
Identifiers: ClinVar variation 475662 (VCV000475662.7), dbSNP rs1555863593, ClinGen allele CA658658871.